The following is an entry in ClinVar:

NM_001382391.1(CSPP1):c.853G>T (p.Glu285Ter)

Gene: CSPP1 (centrosome and spindle pole associated protein 1; plus strand). Cytogenetic location: 8q13.1.
Variant type: single nucleotide variant.
Coding change: c.853G>T on transcript NM_001382391.1 (MANE Select); coding-DNA position 853, G replaced by T.
Protein change: p.Glu285Ter; replaces glutamic acid 285 with a stop codon.
Molecular consequence: nonsense. On other transcripts: 5 prime UTR variant (1).
Genome position (GRCh38, 1-based): chr8:67,095,662, G>T. VCF-style: chr8-67095662-G-T. GRCh37 (hg19) VCF-style: chr8-68007897-G-T.
Other names: c.-3G>T (NM_001291339.2); c.772G>T, p.Glu258Ter (NM_001363131.2, NM_001363133.2); c.853G>T, p.Glu285Ter (NM_001363132.2); c.961G>T, p.Glu321Ter (NM_001364869.1); c.880G>T, p.Glu294Ter (NM_001364870.1, NM_024790.7); short protein forms E258*, E285*, E294*, E321*.
Identifiers: ClinVar variation 2860389 (VCV002860389.3), dbSNP rs1563541637, ClinGen allele CA371191411.

ClinVar aggregate classification (germline): Pathogenic (1 of 4 stars; one submission).

Conditions:
Joubert syndrome 21 (JBTS21). Identifiers: MedGen C3810212, MONDO:0014288, OMIM 615636.

Submission:

Labcorp Genetics (formerly Invitae), Labcorp
Classification: Pathogenic for Joubert syndrome 21. Last evaluated: 2024-11-11. Review status: criteria provided, single submitter. Criteria: Invitae Variant Classification Sherloc (09022015). Collection method: clinical testing. Allele origin: germline.
Comment: This sequence change creates a premature translational stop signal (p.Glu294*) in the CSPP1 gene. It is expected to result in an absent or disrupted protein product. Loss-of-function variants in CSPP1 are known to be pathogenic (PMID: 24360807, 24360808). This variant is not present in population databases (gnomAD no frequency). This variant has not been reported in the literature in individuals affected with CSPP1-related conditions. ClinVar contains an entry for this variant (Variation ID: 2860389). Algorithms developed to predict the effect of sequence changes on RNA splicing suggest that this variant may disrupt the consensus splice site. For these reasons, this variant has been classified as Pathogenic.

Literature cited by the submitters: PubMed 24360807; PubMed 24360808.